The following is an entry in ClinVar:

NM_000313.4(PROS1):c.1445G>T (p.Gly482Val)

Gene: PROS1 (protein S; minus strand). Cytogenetic location: 3q11.1.
Variant type: single nucleotide variant.
Coding change: c.1445G>T on transcript NM_000313.4 (MANE Select); coding-DNA position 1445, G replaced by T.
Protein change: p.Gly482Val; replaces glycine 482 with valine.
Molecular consequence: missense variant.
Genome position (GRCh38, 1-based): chr3:93,884,775, C>A on the plus strand (G>T on the coding strand, the complement: PROS1 is on the minus strand). VCF-style: chr3-93884775-C-A. GRCh37 (hg19) VCF-style: chr3-93603619-C-A.
Other names: c.1541G>T, p.Gly514Val (NM_001314077.2); short protein forms G514V, G482V.
Identifiers: ClinVar variation 2883998 (VCV002883998.3), dbSNP rs1553809108, ClinGen allele CA353667785.

ClinVar aggregate classification (germline): Uncertain significance (1 of 4 stars; one submission).

Conditions:
Thrombophilia due to protein S deficiency, autosomal recessive (THPH6). Identifiers: Orphanet 743, MedGen C3281092, MONDO:0013791, OMIM 614514. Disease mechanism: loss of function.

Submission:

Labcorp Genetics (formerly Invitae), Labcorp
Classification: Uncertain significance for Thrombophilia due to protein S deficiency, autosomal recessive. Last evaluated: 2025-04-03. Review status: criteria provided, single submitter. Criteria: Invitae Variant Classification Sherloc (09022015). Collection method: clinical testing. Allele origin: germline.
Comment: This sequence change replaces glycine, which is neutral and non-polar, with valine, which is neutral and non-polar, at codon 482 of the PROS1 protein (p.Gly482Val). This variant is not present in population databases (gnomAD no frequency). This missense change has been observed in individuals with protein S deficiency (PMID: 30669159; internal data). ClinVar contains an entry for this variant (Variation ID: 2883998). Invitae Evidence Modeling of protein sequence and biophysical properties (such as structural, functional, and spatial information, amino acid conservation, physicochemical variation, residue mobility, and thermodynamic stability) indicates that this missense variant is expected to disrupt PROS1 protein function with a positive predictive value of 80%. In summary, the available evidence is currently insufficient to determine the role of this variant in disease. Therefore, it has been classified as a Variant of Uncertain Significance.

Literature cited by the submitters: PubMed 30669159.